The following is an entry in ClinVar:

ClinVar aggregate classification (germline): Uncertain significance (1 of 4 stars; one submission).

Submission:

Labcorp Genetics (formerly Invitae), Labcorp
Classification: Uncertain significance. Last evaluated: 2023-11-27. Review status: criteria provided, single submitter. Criteria: Invitae Variant Classification Sherloc (09022015). Collection method: clinical testing. Allele origin: germline.
Comment: This sequence change replaces glutamine, which is neutral and polar, with proline, which is neutral and non-polar, at codon 519 of the DGKE protein (p.Gln519Pro). This variant is not present in population databases (gnomAD no frequency). This variant has not been reported in the literature in individuals affected with DGKE-related conditions. Advanced modeling of protein sequence and biophysical properties (such as structural, functional, and spatial information, amino acid conservation, physicochemical variation, residue mobility, and thermodynamic stability) performed at Invitae indicates that this missense variant is expected to disrupt DGKE protein function with a positive predictive value of 80%. In summary, the available evidence is currently insufficient to determine the role of this variant in disease. Therefore, it has been classified as a Variant of Uncertain Significance.

NM_003647.3(DGKE):c.1556A>C (p.Gln519Pro)

Gene: DGKE (diacylglycerol kinase epsilon; plus strand). Cytogenetic location: 17q22.
Variant type: single nucleotide variant.
Coding change: c.1556A>C on transcript NM_003647.3 (MANE Select); coding-DNA position 1556, A replaced by C.
Protein change: p.Gln519Pro; replaces glutamine 519 with proline.
Molecular consequence: missense variant.
Genome position (GRCh38, 1-based): chr17:56,862,643, A>C. VCF-style: chr17-56862643-A-C. GRCh37 (hg19) VCF-style: chr17-54940004-A-C.
Other names: short protein forms Q519P.
Identifiers: ClinVar variation 2870889 (VCV002870889.3), dbSNP rs2509339191, ClinGen allele CA399910570.